The following is an entry in ClinVar:

NM_152866.3(MS4A1):c.556A>G (p.Ile186Val)

Gene: MS4A1 (membrane spanning 4-domains A1; plus strand). Cytogenetic location: 11q12.2.
Variant type: single nucleotide variant.
Coding change: c.556A>G on transcript NM_152866.3 (MANE Select); coding-DNA position 556, A replaced by G.
Protein change: p.Ile186Val; replaces isoleucine 186 with valine.
Molecular consequence: missense variant.
Genome position (GRCh38, 1-based): chr11:60,466,140, A>G. VCF-style: chr11-60466140-A-G. GRCh37 (hg19) VCF-style: chr11-60233613-A-G.
Other names: c.556A>G, p.Ile186Val (NM_021950.4, NM_152867.2); short protein forms I186V.
Identifiers: ClinVar variation 4736484 (VCV004736484.1).

ClinVar aggregate classification (germline): Uncertain significance (1 of 4 stars; one submission).

gnomAD v4.1: 2 of 1,610,220 alleles (0.00012%); highest among the groups gnomAD compares: East Asian, 0.0022%; no homozygotes.

Submission:

Labcorp Genetics (formerly Invitae), Labcorp
Classification: Uncertain significance. Last evaluated: 2026-01-31. Review status: criteria provided, single submitter. Criteria: Invitae Variant Classification Sherloc (09022015). Collection method: clinical testing. Allele origin: germline.
Comment: This sequence change replaces isoleucine, which is neutral and non-polar, with valine, which is neutral and non-polar, at codon 186 of the MS4A1 protein (p.Ile186Val). This variant is present in population databases (no rsID available, gnomAD 0.003%). This variant has not been reported in the literature in individuals affected with MS4A1-related conditions. An algorithm developed to predict the effect of missense changes on protein structure and function outputs the following: PolyPhen-2: "Benign". The valine amino acid residue is found in multiple mammalian species, which suggests that this missense change does not adversely affect protein function. In summary, the available evidence is currently insufficient to determine the role of this variant in disease. Therefore, it has been classified as a Variant of Uncertain Significance.